The following is an entry in ClinVar:

ClinVar aggregate classification (germline): Conflicting classifications of pathogenicity. Review status: criteria provided, conflicting classifications (1 of 4 stars). 2 submissions from 2 submitters: Uncertain significance (1); Likely benign (1). Last evaluated 2026-01-05.

Conditions:
Hereditary cancer-predisposing syndrome. Also called: Hereditary neoplastic syndrome; Neoplastic Syndromes, Hereditary; Tumor predisposition; Hereditary Cancer Syndrome. Identifiers: Orphanet 140162, MedGen C0027672, MeSH D009386, MONDO:0015356.
Familial adenomatous polyposis 1 (FAP1). Also called: POLYPOSIS, ADENOMATOUS INTESTINAL; FAMILIAL ADENOMATOUS POLYPOSIS 1, ATTENUATED. Identifiers: MedGen C2713442, MONDO:0021056, OMIM 175100. Disease mechanism: loss of function.

Allele frequency attached by ClinVar (database versions not stated): gnomAD exomes 0.00001.
gnomAD v4.1: 3 of 1,614,134 alleles (0.00019%); highest among the groups gnomAD compares: Admixed American, 0.005%; no homozygotes.

Submissions (2):

Labcorp Genetics (formerly Invitae), Labcorp
Classification: Uncertain significance for Familial adenomatous polyposis 1. Last evaluated: 2026-01-05. Review status: criteria provided, single submitter. Criteria: Invitae Variant Classification Sherloc (09022015). Collection method: clinical testing. Allele origin: germline.
Comment: This sequence change replaces serine, which is neutral and polar, with asparagine, which is neutral and polar, at codon 925 of the APC protein (p.Ser925Asn). This variant is present in population databases (no rsID available, gnomAD 0.009%). This variant has not been reported in the literature in individuals affected with APC-related conditions. ClinVar contains an entry for this variant (Variation ID: 834193). Invitae Evidence Modeling of protein sequence and biophysical properties (such as structural, functional, and spatial information, amino acid conservation, physicochemical variation, residue mobility, and thermodynamic stability) indicates that this missense variant is not expected to disrupt APC protein function with a negative predictive value of 95%. In summary, the available evidence is currently insufficient to determine the role of this variant in disease. Therefore, it has been classified as a Variant of Uncertain Significance.

Ambry Genetics
Classification: Likely benign for Hereditary cancer-predisposing syndrome. Last evaluated: 2021-11-30. Review status: criteria provided, single submitter. Criteria: Ambry Variant Classification Scheme 2023. Collection method: clinical testing. Allele origin: germline.

NM_000038.6(APC):c.2774G>A (p.Ser925Asn)

Gene: APC (APC regulator of Wnt signaling pathway; plus strand). Cytogenetic location: 5q22.2.
Variant type: single nucleotide variant.
Coding change: c.2774G>A on transcript NM_000038.6 (MANE Select); coding-DNA position 2774, G replaced by A.
Protein change: p.Ser925Asn; replaces serine 925 with asparagine.
Molecular consequence: missense variant.
Genome position (GRCh38, 1-based): chr5:112,838,368, G>A. VCF-style: chr5-112838368-G-A. GRCh37 (hg19) VCF-style: chr5-112174065-G-A.
Other names: c.2774G>A, p.Ser925Asn (NM_001127510.3, NM_001354895.2); c.2720G>A, p.Ser907Asn (NM_001127511.3); c.2828G>A, p.Ser943Asn (NM_001354896.2); c.2804G>A, p.Ser935Asn (NM_001354897.2); c.2699G>A, p.Ser900Asn (NM_001354898.2); c.2690G>A, p.Ser897Asn (NM_001354899.2); c.2651G>A, p.Ser884Asn (NM_001354900.2); c.2597G>A, p.Ser866Asn (NM_001354901.2); and 5 more; short protein forms S907N, S925N, S866N, S897N, S900N, S943N, S765N, S799N.
Identifiers: ClinVar variation 834193 (VCV000834193.12), dbSNP rs1197529917, ClinGen allele CA16027383.